The following is an entry in ClinVar:

NM_004655.4(AXIN2):c.2333G>T (p.Arg778Leu)

Gene: AXIN2 (axin 2; minus strand). Cytogenetic location: 17q24.1.
Variant type: single nucleotide variant.
Coding change: c.2333G>T on transcript NM_004655.4 (MANE Select); coding-DNA position 2333, G replaced by T.
Protein change: p.Arg778Leu; replaces arginine 778 with leucine.
Molecular consequence: missense variant.
Genome position (GRCh38, 1-based): chr17:65,533,984, C>A on the plus strand (G>T on the coding strand, the complement: AXIN2 is on the minus strand). VCF-style: chr17-65533984-C-A. GRCh37 (hg19) VCF-style: chr17-63530102-C-A.
Other names: c.2138G>T, p.Arg713Leu (NM_001363813.1); short protein forms R713L, R778L.
Identifiers: ClinVar variation 945293 (VCV000945293.9), dbSNP rs1555576374, ClinGen allele CA400675478.

ClinVar aggregate classification (germline): Uncertain significance (1 of 4 stars; one submission).

Conditions:
Oligodontia-cancer predisposition syndrome. Also called: TOOTH AGENESIS-COLORECTAL CANCER SYNDROME. Identifiers: Orphanet 300576, MedGen C1837750, MONDO:0012075, OMIM 608615. Disease mechanism: loss of function.

Submission:

Labcorp Genetics (formerly Invitae), Labcorp
Classification: Uncertain significance for Oligodontia-cancer predisposition syndrome. Last evaluated: 2019-07-31. Review status: criteria provided, single submitter. Criteria: Invitae Variant Classification Sherloc (09022015). Collection method: clinical testing. Allele origin: germline.
Comment: This sequence change replaces arginine with leucine at codon 778 of the AXIN2 protein (p.Arg778Leu). The arginine residue is highly conserved and there is a moderate physicochemical difference between arginine and leucine. In summary, the available evidence is currently insufficient to determine the role of this variant in disease. Therefore, it has been classified as a Variant of Uncertain Significance. Algorithms developed to predict the effect of missense changes on protein structure and function (SIFT, PolyPhen-2, Align-GVGD) all suggest that this variant is likely to be disruptive, but these predictions have not been confirmed by published functional studies and their clinical significance is uncertain. This variant has not been reported in the literature in individuals with AXIN2-related conditions. This variant is not present in population databases (ExAC no frequency).